The following is an entry in ClinVar:

NM_138295.5(PKD1L1):c.4414C>G (p.Leu1472Val)

Gene: PKD1L1 (polycystin 1 like 1, transient receptor potential channel interacting; minus strand). Cytogenetic location: 7p12.3.
Variant type: single nucleotide variant.
Coding change: c.4414C>G on transcript NM_138295.5 (MANE Select); coding-DNA position 4414, C replaced by G.
Protein change: p.Leu1472Val; replaces leucine 1472 with valine.
Molecular consequence: missense variant.
Genome position (GRCh38, 1-based): chr7:47,857,781, G>C on the plus strand (C>G on the coding strand, the complement: PKD1L1 is on the minus strand). VCF-style: chr7-47857781-G-C. GRCh37 (hg19) VCF-style: chr7-47897379-G-C.
Other names: short protein forms L1472V.
Identifiers: ClinVar variation 3213557 (VCV003213557.3), dbSNP rs142077728, ClinGen allele CA4253111.

ClinVar aggregate classification (germline): Uncertain significance. Review status: criteria provided, multiple submitters, no conflicts (2 of 4 stars). 3 submissions from 3 submitters: Uncertain significance (3). Last evaluated 2025-12-16.

Conditions:
Inborn genetic diseases. Identifiers: MedGen C0950123, MeSH D030342.

Allele frequency attached by ClinVar (database versions not stated): ExAC 0.00016; ESP Exome Variant Server 0.00023; gnomAD 0.00041; 1000 Genomes Project 30x 0.00125; 1000 Genomes Project 0.00140.
gnomAD v4.1: 144 of 1,614,180 alleles (0.0089%); highest among the groups gnomAD compares: African/African-American, 0.17%; no homozygotes.

Submissions (3):

Labcorp Genetics (formerly Invitae), Labcorp
Classification: Uncertain significance. Last evaluated: 2025-12-16. Review status: criteria provided, single submitter. Criteria: Invitae Variant Classification Sherloc (09022015). Collection method: clinical testing. Allele origin: germline.
Comment: This sequence change replaces leucine, which is neutral and non-polar, with valine, which is neutral and non-polar, at codon 1472 of the PKD1L1 protein (p.Leu1472Val). This variant is present in population databases (rs142077728, gnomAD 0.2%). This variant has not been reported in the literature in individuals affected with PKD1L1-related conditions. ClinVar contains an entry for this variant (Variation ID: 3213557). Invitae Evidence Modeling of protein sequence and biophysical properties (such as structural, functional, and spatial information, amino acid conservation, physicochemical variation, residue mobility, and thermodynamic stability) indicates that this missense variant is not expected to disrupt PKD1L1 protein function with a negative predictive value of 80%. In summary, the available evidence is currently insufficient to determine the role of this variant in disease. Therefore, it has been classified as a Variant of Uncertain Significance.

Blueprint Genetics
Classification: Uncertain significance. Last evaluated: 2024-08-15. Review status: criteria provided, single submitter. Criteria: ACMG Guidelines, 2015. Collection method: clinical testing. Allele origin: germline.

Ambry Genetics
Classification: Uncertain significance for Inborn genetic diseases. Last evaluated: 2024-01-19. Review status: criteria provided, single submitter. Criteria: Ambry Variant Classification Scheme 2023. Collection method: clinical testing. Allele origin: germline.